The following is an entry in ClinVar:

ClinVar aggregate classification (germline): Pathogenic (1 of 4 stars; one submission).

Submission:

Labcorp Genetics (formerly Invitae), Labcorp
Classification: Pathogenic. Last evaluated: 2023-03-07. Review status: criteria provided, single submitter. Criteria: Invitae Variant Classification Sherloc (09022015). Collection method: clinical testing. Allele origin: germline.
Comment: This sequence change creates a premature translational stop signal (p.His1448Leufs*27) in the DUOX2 gene. It is expected to result in an absent or disrupted protein product. Loss-of-function variants in DUOX2 are known to be pathogenic (PMID: 12110737, 18765513, 21565790, 24423310, 24735383). This variant is not present in population databases (gnomAD no frequency). This variant has not been reported in the literature in individuals affected with DUOX2-related conditions. For these reasons, this variant has been classified as Pathogenic.

Literature cited by the submitters: PubMed 12110737; PubMed 18765513; PubMed 21565790; PubMed 24423310; PubMed 24735383.

NM_001363711.2(DUOX2):c.4343_4349del (p.His1448fs)

Gene: DUOX2 (dual oxidase 2; minus strand). Cytogenetic location: 15q21.1.
Variant type: Deletion.
Coding change: c.4343_4349del on transcript NM_001363711.2 (MANE Select); coding-DNA positions 4343 to 4349, 7 bases deleted (ACATTTA; older notation c.4343_4349delACATTTA).
Protein change: p.His1448fs; shifts the reading frame from histidine 1448.
Molecular consequence: frameshift variant.
Genome position (GRCh38, 1-based): chr15:45,094,982-45,094,988, TAAATGT deleted on the plus strand (ACATTTA on the coding strand, the reverse complement: DUOX2 is on the minus strand). VCF-style (leftmost placement, unchanged base first): chr15-45094981-ATAAATGT-A. GRCh37 (hg19) VCF-style: chr15-45387179-ATAAATGT-A.
Other names: c.4343_4349del, p.His1448fs (NM_014080.5); short protein forms H1448fs.
Identifiers: ClinVar variation 2843499 (VCV002843499.3), dbSNP rs2504737542, ClinGen allele CA2739279132.